The following is an entry in ClinVar:

NM_000059.4(BRCA2):c.7805+956G>T

Gene: BRCA2 (BRCA2 DNA repair associated; plus strand). Cytogenetic location: 13q13.1.
Variant type: single nucleotide variant.
Coding change: c.7805+956G>T on transcript NM_000059.4 (MANE Select); 956 bases into the intron after coding-DNA position 7805, G replaced by T.
Molecular consequence: intron variant.
Genome position (GRCh38, 1-based): chr13:32,358,885, G>T. VCF-style: chr13-32358885-G-T. GRCh37 (hg19) VCF-style: chr13-32933022-G-T.
Other names: IVS 16+956G>T.
Identifiers: ClinVar variation 209763 (VCV000209763.1), dbSNP rs206097, ClinGen allele CA276731.

ClinVar aggregate classification (germline): Benign (3 of 4 stars; one submission).

Conditions:
Breast-ovarian cancer, familial, susceptibility to, 2 (BROVCA2). Also called: BRCA2 Hereditary Breast and Ovarian Cancer. Identifiers: Orphanet 145, MedGen C2675520, MONDO:0012933, OMIM 612555. Disease mechanism: loss of function.

Allele frequency attached by ClinVar (database versions not stated): gnomAD 0.43696 and 0.44032; 1000 Genomes Project 0.44089; TOPMed 0.44158; 1000 Genomes Project 30x 0.44207.
gnomAD v4.1: 66,677 of 151,032 alleles (44%); highest among the groups gnomAD compares: Middle Eastern, 55%; 14,931 homozygotes.

Submission:

Evidence-based Network for the Interpretation of Germline Mutant Alleles (ENIGMA)
Classification: Benign for Breast-ovarian cancer, familial 2. Last evaluated: 2015-01-12. Review status: reviewed by expert panel. Criteria: ENIGMA BRCA1/2 Classification Criteria (2015). Collection method: curation. Allele origin: germline.
Comment: Class 1 not pathogenic based on frequency >1% in an outbred sampleset. Frequency 0.4476 (Asian), 0.3435 (African), 0.4604 (European), derived from 1000 genomes (2012-04-30).